The following is an entry in ClinVar:

NM_000080.4(CHRNE):c.1093_1094insT (p.Ala365fs)

Genes: CHRNE (cholinergic receptor nicotinic epsilon subunit; minus strand), LOC130060041 (ATAC-STARR-seq lymphoblastoid silent region 8050; plus strand). Cytogenetic location: 17p13.2.
Variant type: Insertion.
Coding change: c.1093_1094insT on transcript NM_000080.4 (MANE Select); coding-DNA positions 1093 to 1094, T inserted.
Protein change: p.Ala365fs; shifts the reading frame from alanine 365.
Molecular consequence: frameshift variant.
Genome position: GRCh38 VCF-style: chr17-4899323-G-GA. GRCh37 (hg19) VCF-style: chr17-4802618-G-GA.
Other names: short protein forms A365fs.
Identifiers: ClinVar variation 5015174 (VCV005015174.1).

ClinVar aggregate classification (germline): Pathogenic (1 of 4 stars; one submission).

Conditions:
Congenital myasthenic syndrome (CMS). Also called: Congenital Myasthenic Syndromes. Identifiers: Orphanet 590, MedGen C0751882, MeSH D020294, MONDO:0018940.

Submission:

Myriad Genetics, Inc.
Classification: Pathogenic for Congenital myasthenic syndrome. Last evaluated: 2025-11-04. Review status: criteria provided, single submitter. Criteria: Myriad Autosomal Dominant, Autosomal Recessive and X-Linked Classification Criteria (2023). Collection method: clinical testing. Allele origin: unknown.
Comment: NM_000080.3(CHRNE):c.1093_1094insT(A365Vfs*32) is expected to be pathogenic in the context of congenital myasthenic syndrome, CHRNE-related. This variant is predicted to lead to an abnormal or absent protein product due to the creation of a premature termination codon in CHRNE, a gene where loss-of-function variants are known to be pathogenic. Please note: this variant was assessed in the context of healthy population screening.